The following is an entry in ClinVar:

ClinVar aggregate classification (germline): Likely pathogenic (1 of 4 stars; one submission).

Submission:

GeneDx
Classification: Likely pathogenic. Last evaluated: 2017-07-13. Review status: criteria provided, single submitter. Criteria: GeneDx Variant Classification (06012015). Collection method: clinical testing. Allele origin: germline. Affected: yes.
Comment: A variant that is likely pathogenic has been identified in the CHD2 gene. The c.4079delG variant has not been published as a pathogenic variant, nor has it been reported as a benign variant to our knowledge. The c.4079delG variant is not observed in large population cohorts (Lek et al., 2016; 1000 Genomes Consortium et al., 2015; Exome Variant Server). The c.4079delG variant causes a frameshift starting with codon Isoleucine 1360, changes this amino acid to a Glutamic acid residue and creates a premature Stop codon at position 19 of the new reading frame, denoted p.Gly1360GlufsX19. This likely pathogenic variant is predicted to cause loss of normal protein function either through protein truncation or nonsense-mediated mRNA decay. Therefore, this variant is likely pathogenic; however, the possibility that it is benign cannot be excluded.

NM_001271.4(CHD2):c.4079del (p.Gly1360fs)

Gene: CHD2 (chromodomain helicase DNA binding protein 2; plus strand). Cytogenetic location: 15q26.1.
Variant type: Deletion.
Coding change: c.4079del on transcript NM_001271.4 (MANE Select); coding-DNA position 4079, one base deleted (G; older notation c.4079delG).
Protein change: p.Gly1360fs; shifts the reading frame from glycine 1360.
Molecular consequence: frameshift variant.
Genome position (GRCh38, 1-based): chr15:93,000,582, G deleted; the last of 2 consecutive G bases (chr15:93,000,581-93,000,582); deleting either gives the same sequence. VCF-style (leftmost placement, unchanged base first): chr15-93000580-TG-T. GRCh37 (hg19) VCF-style: chr15-93543810-TG-T.
Other names: short protein forms G1360fs.
Identifiers: ClinVar variation 450526 (VCV000450526.1), dbSNP rs1317103929, ClinGen allele CA658658326.